The following is an entry in ClinVar:

NM_016188.5(ACTL6B):c.1223T>C (p.Ile408Thr)

Gene: ACTL6B (actin like 6B; minus strand). Cytogenetic location: 7q22.1.
Variant type: single nucleotide variant.
Coding change: c.1223T>C on transcript NM_016188.5 (MANE Select); coding-DNA position 1223, T replaced by C.
Protein change: p.Ile408Thr; replaces isoleucine 408 with threonine.
Molecular consequence: missense variant. On other transcripts: non-coding transcript variant (1).
Genome position (GRCh38, 1-based): chr7:100,643,304, A>G on the plus strand (T>C on the coding strand, the complement: ACTL6B is on the minus strand). VCF-style: chr7-100643304-A-G. GRCh37 (hg19) VCF-style: chr7-100240927-A-G.
Other names: c.1223T>C (NM_016188.4); short protein forms I408T.
Identifiers: ClinVar variation 3233971 (VCV003233971.4), dbSNP rs2486152328, ClinGen allele CA368540490.
Genomic context (GRCh38, chr7:100,643,304, plus strand): 5'-CATCAGGGGCACTTTCGCTCCACGCACTGCTTCCCGCCCTCCTCATATTCCTGCTTGGAG[A>G]TCCACATCTGCTGGAAAGTGCCCTGGGTGGAGGGGGTAATATCAGGGTCAGGGTGGCCTT-3'
Protein context (NP_057272.1, residues 398-418): ASLGTFQQMW[Ile408Thr]SKQEYEEGGK

ClinVar aggregate classification (germline): Uncertain significance. Review status: criteria provided, multiple submitters, no conflicts (2 of 4 stars). 3 submissions from 3 submitters: Uncertain significance (3). Last evaluated 2025-05-20.

Conditions:
Inborn genetic diseases. Identifiers: MedGen C0950123, MeSH D030342.

Submissions (3):

Ambry Genetics
Classification: Uncertain significance for Inborn genetic diseases. Last evaluated: 2025-05-20. Review status: criteria provided, single submitter. Criteria: Ambry Variant Classification Scheme 2023. Collection method: clinical testing. Allele origin: germline.

GeneDx
Classification: Uncertain significance. Last evaluated: 2024-10-15. Review status: criteria provided, single submitter. Criteria: GeneDx Variant Classification Process June 2021. Collection method: clinical testing. Allele origin: germline. Affected: yes.
Comment: Not observed at significant frequency in large population cohorts (gnomAD); In silico analysis supports that this missense variant has a deleterious effect on protein structure/function; Has not been previously published as pathogenic or benign to our knowledge

Women's Health and Genetics/Laboratory Corporation of America, LabCorp
Classification: Uncertain significance. Last evaluated: 2024-03-14. Review status: criteria provided, single submitter. Criteria: LabCorp Variant Classification Summary - May 2015. Collection method: clinical testing. Allele origin: germline.
Comment: Variant summary: ACTL6B c.1223T>C (p.Ile408Thr) results in a non-conservative amino acid change in the encoded protein sequence. Five of five in-silico tools predict a damaging effect of the variant on protein function. The variant was absent in 250842 control chromosomes (gnomAD). The available data on variant occurrences in the general population are insufficient to allow any conclusion about variant significance. To our knowledge, no occurrence of c.1223T>C in individuals affected with ACTL6B-Related Disorders and no experimental evidence demonstrating its impact on protein function have been reported. No submitters have cited clinical-significance assessments for this variant to ClinVar. Based on the evidence outlined above, the variant was classified as uncertain significance.